The following is an entry in ClinVar:

ClinVar aggregate classification (germline): Likely pathogenic (1 of 4 stars; one submission).

Conditions:
Congenital myotonia, autosomal dominant form (THD). Also called: THOMSEN DISEASE; Myotonia congenita autosomal dominant. Identifiers: Orphanet 614, MedGen C2936781, MONDO:0008055, OMIM 160800.
Congenital myotonia, autosomal recessive form. Also called: Becker Generalized Myotonia; myotonia congenita, autosomal recessive; BECKER DISEASE. Identifiers: Orphanet 614, MedGen C0751360, MONDO:0009715, OMIM 255700.

Submission:

Labcorp Genetics (formerly Invitae), Labcorp
Classification: Likely pathogenic for Congenital myotonia, autosomal recessive form; Congenital myotonia, autosomal dominant form. Last evaluated: 2024-09-10. Review status: criteria provided, single submitter. Criteria: Invitae Variant Classification Sherloc (09022015). Collection method: clinical testing. Allele origin: germline.
Comment: This sequence change affects an acceptor splice site in intron 16 of the CLCN1 gene. It is expected to disrupt RNA splicing. Variants that disrupt the donor or acceptor splice site typically lead to a loss of protein function (PMID: 16199547), and loss-of-function variants in CLCN1 are known to be pathogenic (PMID: 17932099, 22094069, 23739125). This variant is not present in population databases (gnomAD no frequency). This variant has not been reported in the literature in individuals affected with CLCN1-related conditions. Algorithms developed to predict the effect of sequence changes on RNA splicing suggest that this variant may disrupt the consensus splice site. In summary, the currently available evidence indicates that the variant is pathogenic, but additional data are needed to prove that conclusively. Therefore, this variant has been classified as Likely Pathogenic.

Literature cited by the submitters: PubMed 16199547; PubMed 17932099; PubMed 22094069; PubMed 23739125.

NM_000083.3(CLCN1):c.1931-1G>A

Genes: CLCN1 (chloride voltage-gated channel 1; plus strand), LOC123956257 (Sharpr-MPRA regulatory region 4117; plus strand). Cytogenetic location: 7q34.
Variant type: single nucleotide variant.
Coding change: c.1931-1G>A on transcript NM_000083.3 (MANE Select); the canonical splice acceptor site of the intron before coding-DNA position 1931, G replaced by A.
Molecular consequence: splice acceptor variant.
Genome position (GRCh38, 1-based): chr7:143,345,520, G>A. VCF-style: chr7-143345520-G-A. GRCh37 (hg19) VCF-style: chr7-143042613-G-A.
Identifiers: ClinVar variation 3750061 (VCV003750061.2).